The following is an entry in ClinVar:

NM_000038.6(APC):c.4330C>A (p.Gln1444Lys)

Gene: APC (APC regulator of Wnt signaling pathway; plus strand). Cytogenetic location: 5q22.2.
Variant type: single nucleotide variant.
Coding change: c.4330C>A on transcript NM_000038.6 (MANE Select); coding-DNA position 4330, C replaced by A.
Protein change: p.Gln1444Lys; replaces glutamine 1444 with lysine.
Molecular consequence: missense variant. On other transcripts: non-coding transcript variant (2).
Genome position (GRCh38, 1-based): chr5:112,839,924, C>A. VCF-style: chr5-112839924-C-A. GRCh37 (hg19) VCF-style: chr5-112175621-C-A.
Other names: c.4330C>A, p.Gln1444Lys (NM_001127510.3, NM_001354895.2, NM_001407450.1); c.4276C>A, p.Gln1426Lys (NM_001127511.3); c.4384C>A, p.Gln1462Lys (NM_001354896.2, NM_001407447.1, NM_001407448.1 and 1 more transcripts); c.4360C>A, p.Gln1454Lys (NM_001354897.2); c.4255C>A, p.Gln1419Lys (NM_001354898.2); c.4246C>A, p.Gln1416Lys (NM_001354899.2); c.4207C>A, p.Gln1403Lys (NM_001354900.2); c.4153C>A, p.Gln1385Lys (NM_001354901.2, NM_001407453.1); and 11 more; short protein forms Q1060K, Q1315K, Q1318K, Q1343K, Q1361K, Q1403K, Q1416K, Q1161K.
Identifiers: ClinVar variation 3635460 (VCV003635460.3).

ClinVar aggregate classification (germline): Uncertain significance. Review status: criteria provided, multiple submitters, no conflicts (2 of 4 stars). 2 submissions from 2 submitters: Uncertain significance (2). Last evaluated 2026-01-16.

Conditions:
Inherited polyposis and early onset colorectal cancer - germline testing.
Familial adenomatous polyposis 1 (FAP1). Also called: FAMILIAL ADENOMATOUS POLYPOSIS 1, ATTENUATED; POLYPOSIS, ADENOMATOUS INTESTINAL. Identifiers: MedGen C2713442, MONDO:0021056, OMIM 175100. Disease mechanism: loss of function.

gnomAD v4.1: 1 of 1,614,094 alleles (0.000062%); highest among the groups gnomAD compares: Non-Finnish European, 0.000085%; no homozygotes.

Submissions (2):

Cambridge Genomics Laboratory, East Genomic Laboratory Hub, NHS Genomic Medicine Service
Classification: Uncertain significance for Inherited polyposis and early onset colorectal cancer - germline testing. Last evaluated: 2026-01-16. Review status: criteria provided, single submitter. Criteria: ACGS Best Practice Guidelines for Variant Classification in Rare Disease 2020. Collection method: clinical testing. Allele origin: germline. Affected: yes.
Comment: PM2_Supporting,BP1

Labcorp Genetics (formerly Invitae), Labcorp
Classification: Uncertain significance for Familial adenomatous polyposis 1. Last evaluated: 2025-01-22. Review status: criteria provided, single submitter. Criteria: Invitae Variant Classification Sherloc (09022015). Collection method: clinical testing. Allele origin: germline.
Comment: This sequence change replaces glutamine, which is neutral and polar, with lysine, which is basic and polar, at codon 1444 of the APC protein (p.Gln1444Lys). This variant is not present in population databases (gnomAD no frequency). This variant has not been reported in the literature in individuals affected with APC-related conditions. Invitae Evidence Modeling of protein sequence and biophysical properties (such as structural, functional, and spatial information, amino acid conservation, physicochemical variation, residue mobility, and thermodynamic stability) indicates that this missense variant is not expected to disrupt APC protein function with a negative predictive value of 95%. In summary, the available evidence is currently insufficient to determine the role of this variant in disease. Therefore, it has been classified as a Variant of Uncertain Significance.